The following is an entry in ClinVar:

ClinVar aggregate classification (germline): Conflicting classifications of pathogenicity. Review status: criteria provided, conflicting classifications (1 of 4 stars). 8 submissions from 8 submitters: Uncertain significance (4); Likely benign (4). Last evaluated 2026-01-15.

Conditions:
Microcephaly 5, primary, autosomal recessive (MCPH5). Also called: ASPM Primary Microcephaly. Identifiers: Orphanet 2512, MedGen C1837501, MONDO:0012106, OMIM 608716.

Allele frequency attached by ClinVar (database versions not stated): gnomAD 0.00011 and 0.00019; TOPMed 0.00036; gnomAD exomes 0.00051; ExAC 0.00054; 1000 Genomes Project 30x 0.00078; 1000 Genomes Project 0.00100.
gnomAD v4.1: 504 of 1,612,628 alleles (0.031%); highest among the groups gnomAD compares: East Asian, 0.94%; 4 homozygotes.

Submissions (8):

Labcorp Genetics (formerly Invitae), Labcorp
Classification: Likely benign. Last evaluated: 2026-01-15. Review status: criteria provided, single submitter. Criteria: Invitae Variant Classification Sherloc (09022015). Collection method: clinical testing. Allele origin: germline.

Women's Health and Genetics/Laboratory Corporation of America, LabCorp
Classification: Likely benign. Last evaluated: 2025-10-03. Review status: criteria provided, single submitter. Criteria: LabCorp Variant Classification Summary - May 2015. Collection method: clinical testing. Allele origin: germline.
Comment: Variant summary: ASPM c.5510G>A (p.Gly1837Asp) results in a non-conservative amino acid change in the encoded protein sequence. Algorithms developed to predict the effect of missense changes on protein structure and function are either unavailable or do not agree on the potential impact of this missense change. The variant allele was found at a frequency of 0.00051 in 249002 control chromosomes, predominantly at a frequency of 0.0066 within the East Asian subpopulation in the gnomAD database. The observed variant frequency within East Asian control individuals in the gnomAD database exceeds the estimated maximal expected allele frequency for disease-causing variants in ASPM. c.5510G>A has been observed in a hydrocephalus cohort, but was also detected in the control cohort with unclear zygosity (Mei_2021). This report does not provide unequivocal conclusions about association of the variant with Primary microcephaly. To our knowledge, no experimental evidence demonstrating an impact on protein function has been reported. The following publication has been ascertained in the context of this evaluation (PMID: 33914258). ClinVar contains an entry for this variant (Variation ID: 157835). Based on the evidence outlined above, the variant was classified as likely benign.

Blueprint Genetics
Classification: Likely benign. Last evaluated: 2024-11-01. Review status: criteria provided, single submitter. Criteria: ACMG Guidelines, 2015. Collection method: clinical testing. Allele origin: germline.

Revvity Omics, Revvity
Classification: Uncertain significance for Microcephaly 5, primary, autosomal recessive. Last evaluated: 2023-03-09. Review status: criteria provided, single submitter. Criteria: ACMG Guidelines, 2015. Collection method: clinical testing. Allele origin: germline.

Victorian Clinical Genetics Services, Murdoch Childrens Research Institute
Classification: Uncertain significance for Microcephaly 5, primary, autosomal recessive. Last evaluated: 2020-07-02. Review status: criteria provided, single submitter. Criteria: ACMG Guidelines, 2015. Collection method: clinical testing. Allele origin: germline. Inheritance: Autosomal recessive inheritance. Affected: yes.
Comment: Based on the classification scheme VCGS_Germline_v1.1.1, this variant is classified as 3B-VUS. Following criteria are met: 0102 - Loss-of-function is a known mechanism of disease for this gene. Disease-associated missense variants in this gene are rare but they have been reported (ClinVar, PMIDs: 20978018, 28004384). (N) 0106 - This gene is known to be associated with autosomal recessive disease. (N) 0200 - Variant is predicted to result in a missense amino acid change from glycine to aspartic acid (exon 18). (N) 0251 - Variant is heterozygous. (N) 0304 - Variant is present in gnomAD <0.01 for a recessive condition (136 heterozygotes, 0 homozygotes). (P) 0309 - An alternative amino acid change at the same position has been observed in gnomAD (p.(Gly1837Arg), 1 heterozygote, 0 homozygotes). (N) 0502 - Missense variant with conflicting in silico predictions and/or uninformative conservation. (N) 0600 - Variant is located in an annotated domain or motif (IQ9 domain among a series of repeated calmodulin-binding IQ domains; PDB, PMID: 29243349). (N) 0705 - No comparable variants have previous evidence for pathogenicity. (N) 0808 - Previous reports of pathogenicity are conflicting. This variant has been reported as likely benign and VUS in ClinVar. It has also been reported as a heterozygous VUS in a patient with primary autosomal recessive microcephaly (PMID: 23611254) (N) 0905 - No segregation evidence has been identified for this variant. (N) 1007 - No published functional evidence has been identified for this variant. (N) 1208 - Inheritance information for this variant is not currently available. (N) Legend: (P) - Pathogenic, (N) - Neutral, (B) - Benign

GeneDx
Classification: Likely benign. Last evaluated: 2019-08-13. Review status: criteria provided, single submitter. Criteria: GeneDx Variant Classification Process June 2021. Collection method: clinical testing. Allele origin: germline. Affected: yes.

Illumina Laboratory Services, Illumina
Classification: Uncertain significance for Microcephaly 5, primary, autosomal recessive. Last evaluated: 2018-01-12. Review status: criteria provided, single submitter. Criteria: ICSL Variant Classification Criteria 13 December 2019. Collection method: clinical testing. Allele origin: germline.

Genetic Services Laboratory, University of Chicago
Classification: Uncertain significance for Microcephaly 5, primary, autosomal recessive. Last evaluated: 2013-02-08. Review status: criteria provided, single submitter. Criteria: ACMG Guidelines, 2007. Collection method: clinical testing. Allele origin: germline. Inheritance: Autosomal recessive inheritance.

Literature cited by the submitters: PubMed 33914258 (cited by Women's Health and Genetics/Laboratory Corporation of America, LabCorp); PubMed 20978018 (cited by Victorian Clinical Genetics Services, Murdoch Childrens Research Institute); PubMed 23611254 (cited by Victorian Clinical Genetics Services, Murdoch Childrens Research Institute); PubMed 28004384 (cited by Victorian Clinical Genetics Services, Murdoch Childrens Research Institute); PubMed 29243349 (cited by Victorian Clinical Genetics Services, Murdoch Childrens Research Institute).

NM_018136.5(ASPM):c.5510G>A (p.Gly1837Asp)

Gene: ASPM (assembly factor for spindle microtubules; minus strand). Cytogenetic location: 1q31.3.
Variant type: single nucleotide variant.
Coding change: c.5510G>A on transcript NM_018136.5 (MANE Select); coding-DNA position 5510, G replaced by A.
Protein change: p.Gly1837Asp; replaces glycine 1837 with aspartic acid.
Molecular consequence: missense variant. On other transcripts: intron variant (1).
Genome position (GRCh38, 1-based): chr1:197,103,741, C>T on the plus strand (G>A on the coding strand, the complement: ASPM is on the minus strand). VCF-style: chr1-197103741-C-T. GRCh37 (hg19) VCF-style: chr1-197072871-C-T.
Other names: c.4066-7577G>A (NM_001206846.2); short protein forms G1837D.
Identifiers: ClinVar variation 157835 (VCV000157835.23), dbSNP rs144969324, ClinGen allele CA271061.